The following is an entry in ClinVar:

NM_000368.5(TSC1):c.1483G>A (p.Glu495Lys)

Gene: TSC1 (TSC complex subunit 1; minus strand). Cytogenetic location: 9q34.13.
Variant type: single nucleotide variant.
Coding change: c.1483G>A on transcript NM_000368.5 (MANE Select); coding-DNA position 1483, G replaced by A.
Protein change: p.Glu495Lys; replaces glutamic acid 495 with lysine.
Molecular consequence: missense variant.
Genome position (GRCh38, 1-based): chr9:132,906,095, C>T on the plus strand (G>A on the coding strand, the complement: TSC1 is on the minus strand). VCF-style: chr9-132906095-C-T. GRCh37 (hg19) VCF-style: chr9-135781482-C-T.
Other names: c.1483G>A (NM_000368.4); c.1480G>A, p.Glu494Lys (NM_001162426.2); c.1330G>A, p.Glu444Lys (NM_001162427.2); c.1120G>A, p.Glu374Lys (NM_001362177.2); short protein forms E374K, E444K, E494K, E495K.
Identifiers: ClinVar variation 1026804 (VCV001026804.10), dbSNP rs1845656110, ClinGen allele CA375365443.

ClinVar aggregate classification (germline): Uncertain significance. Review status: criteria provided, multiple submitters, no conflicts (2 of 4 stars). 3 submissions from 3 submitters: Uncertain significance (3). Last evaluated 2026-04-11.

Conditions:
Tuberous sclerosis syndrome (TSC). Also called: Tuberous Sclerosis Complex; Tuberous sclerosis. Identifiers: Orphanet 805, MedGen C0041341, MONDO:0001734.
Hereditary cancer-predisposing syndrome. Also called: Hereditary neoplastic syndrome; Neoplastic Syndromes, Hereditary; Tumor predisposition; Hereditary Cancer Syndrome. Identifiers: Orphanet 140162, MedGen C0027672, MeSH D009386, MONDO:0015356.
Tuberous sclerosis 1 (TSC1). Identifiers: Orphanet 805, MedGen C1854465, MONDO:0008612, OMIM 191100.

Allele frequency attached by ClinVar (database versions not stated): TOPMed below 0.00001.

Submissions (3):

Ambry Genetics
Classification: Uncertain significance for Hereditary cancer-predisposing syndrome. Last evaluated: 2026-04-11. Review status: criteria provided, single submitter. Criteria: Ambry Variant Classification Scheme 2023. Collection method: clinical testing. Allele origin: germline.
Comment: The p.E495K variant (also known as c.1483G>A), located in coding exon 13 of the TSC1 gene, results from a G to A substitution at nucleotide position 1483. The glutamic acid at codon 495 is replaced by lysine, an amino acid with similar properties. This amino acid position is conserved. In addition, the in silico prediction for this alteration is inconclusive. Based on the available evidence, the clinical significance of this variant remains unclear.

Labcorp Genetics (formerly Invitae), Labcorp
Classification: Uncertain significance for Tuberous sclerosis 1. Last evaluated: 2025-12-15. Review status: criteria provided, single submitter. Criteria: Invitae Variant Classification Sherloc (09022015). Collection method: clinical testing. Allele origin: germline.
Comment: This sequence change replaces glutamic acid, which is acidic and polar, with lysine, which is basic and polar, at codon 495 of the TSC1 protein (p.Glu495Lys). This variant is not present in population databases (gnomAD no frequency). This variant has not been reported in the literature in individuals affected with TSC1-related conditions. ClinVar contains an entry for this variant (Variation ID: 1026804). Invitae Evidence Modeling of protein sequence and biophysical properties (such as structural, functional, and spatial information, amino acid conservation, physicochemical variation, residue mobility, and thermodynamic stability) indicates that this missense variant is not expected to disrupt TSC1 protein function with a negative predictive value of 95%. In summary, the available evidence is currently insufficient to determine the role of this variant in disease. Therefore, it has been classified as a Variant of Uncertain Significance.

All of Us Research Program, National Institutes of Health
Classification: Uncertain significance for Tuberous sclerosis syndrome. Last evaluated: 2023-04-27. Review status: criteria provided, single submitter. Criteria: ACMG Guidelines, 2015. Collection method: clinical testing. Allele origin: germline. Inheritance: Autosomal dominant inheritance. Observed: 1 variant allele, 1 heterozygote.
Comment: This study involves interpretation of variants in research participants for the purpose of population health screening. Participant phenotype was not available at the time of variant classification. Additional details can be found in publication PMID: 35346344, PMCID: PMC8962531